The following is an entry in ClinVar:

ClinVar aggregate classification (germline): Pathogenic (1 of 4 stars; one submission).

Submission:

GeneDx
Classification: Pathogenic. Last evaluated: 2018-02-27. Review status: criteria provided, single submitter. Criteria: GeneDx Variant Classification (06012015). Collection method: clinical testing. Allele origin: germline. Affected: yes.
Comment: The c.1176delC variant in the KAT6A gene has not been reported previously as a pathogenic variant nor as a benign variant, to our knowledge. The c.1176delC variant causes a frameshift starting with codon Cysteine 393, changes this amino acid to an Alanine residue, and creates a premature Stop codon at position 8 of the new reading frame, denoted p.Cys393AlafsX8. This variant is predicted to cause loss of normal protein function either through protein truncation or nonsense-mediated mRNA decay. The c.1176delC variant is not observed in large population cohorts (Lek et al., 2016). We interpret c.1176delC as a pathogenic variant.

NM_006766.5(KAT6A):c.1176del (p.Cys393fs)

Gene: KAT6A (lysine acetyltransferase 6A; minus strand). Cytogenetic location: 8p11.21.
Variant type: Deletion.
Coding change: c.1176del on transcript NM_006766.5 (MANE Select); coding-DNA position 1176, one base deleted (C; older notation c.1176delC).
Protein change: p.Cys393fs; shifts the reading frame from cysteine 393.
Molecular consequence: frameshift variant.
Genome position (GRCh38, 1-based): chr8:41,977,195, G deleted on the plus strand (C on the coding strand, the reverse complement: KAT6A is on the minus strand). VCF-style (leftmost placement, unchanged base first): chr8-41977194-AG-A. GRCh37 (hg19) VCF-style: chr8-41834712-AG-A.
Other names: c.1176del, p.Cys393fs (NM_001305878.2); short protein forms C393fs.
Identifiers: ClinVar variation 504378 (VCV000504378.2), dbSNP rs1554688473, ClinGen allele CA658797092.